The following is an entry in ClinVar:

NM_003482.4(KMT2D):c.14077A>G (p.Met4693Val)

Gene: KMT2D (lysine methyltransferase 2D; minus strand). Cytogenetic location: 12q13.12.
Variant type: single nucleotide variant.
Coding change: c.14077A>G on transcript NM_003482.4 (MANE Select); coding-DNA position 14077, A replaced by G.
Protein change: p.Met4693Val; replaces methionine 4693 with valine.
Molecular consequence: missense variant.
Genome position (GRCh38, 1-based): chr12:49,029,235, T>C on the plus strand (A>G on the coding strand, the complement: KMT2D is on the minus strand). VCF-style: chr12-49029235-T-C. GRCh37 (hg19) VCF-style: chr12-49423018-T-C.
Other names: short protein forms M4693V.
Identifiers: ClinVar variation 4982330 (VCV004982330.1).

ClinVar aggregate classification (germline): Uncertain significance (1 of 4 stars; one submission).

Conditions:
KMT2D-related disorder. Also called: KMT2D-Related Disorders.

Submission:

PreventionGenetics, part of Exact Sciences
Classification: Uncertain significance for KMT2D-related condition. Last evaluated: 2026-03-24. Review status: criteria provided, single submitter. Criteria: ACMG Guidelines, 2015. Collection method: clinical testing. Allele origin: germline.
Comment: The KMT2D c.14077A>G variant is predicted to result in the amino acid substitution p.Met4693Val. To our knowledge, this variant has not been reported in the literature. This variant is reported in 0.0018% of alleles in individuals of European (Non-Finnish) descent in gnomAD. At this time, the clinical significance of this variant is uncertain due to the absence of conclusive functional and genetic evidence.